The following is an entry in ClinVar:

NM_000051.4(ATM):c.7585del (p.Thr2529fs)

Genes: ATM (ATM serine/threonine kinase; plus strand), C11orf65 (chromosome 11 open reading frame 65; minus strand). Cytogenetic location: 11q22.3.
Variant type: Deletion.
Coding change: c.7585del on transcript NM_000051.4 (MANE Select); coding-DNA position 7585, one base deleted (A; older notation c.7585delA).
Protein change: p.Thr2529fs; shifts the reading frame from threonine 2529.
Molecular consequence: frameshift variant. On other transcripts: non-coding transcript variant (1), intron variant (2).
Genome position (GRCh38, 1-based): chr11:108,331,513, A deleted. VCF-style (leftmost placement, unchanged base first): chr11-108331512-GA-G. GRCh37 (hg19) VCF-style: chr11-108202239-GA-G.
Other names: c.7585del, p.Thr2529fs (NM_001351834.2); c.641-22442del (NM_001330368.2); c.*38+3707del (NM_001351110.2); short protein forms T2529fs.
Identifiers: ClinVar variation 1994089 (VCV001994089.4), dbSNP rs2547274907, ClinGen allele CA645598117.

ClinVar aggregate classification (germline): Pathogenic (1 of 4 stars; one submission).

Conditions:
Ataxia-telangiectasia syndrome (AT). Also called: Ataxia-telangiectasia, complementation group D; AT, COMPLEMENTATION GROUP C; ATAXIA-TELANGIECTASIA, COMPLEMENTATION GROUP A; ATAXIA-TELANGIECTASIA, FRESNO VARIANT; Ataxia-telangiectasia, complementation group E; LOUIS-BAR SYNDROME. Identifiers: Orphanet 100, MedGen C0004135, MONDO:0008840, OMIM 208900.

Submission:

Labcorp Genetics (formerly Invitae), Labcorp
Classification: Pathogenic for Ataxia-telangiectasia syndrome. Last evaluated: 2022-05-13. Review status: criteria provided, single submitter. Criteria: Invitae Variant Classification Sherloc (09022015). Collection method: clinical testing. Allele origin: germline.
Comment: For these reasons, this variant has been classified as Pathogenic. This variant has not been reported in the literature in individuals affected with ATM-related conditions. This variant is not present in population databases (gnomAD no frequency). This sequence change creates a premature translational stop signal (p.Thr2529Profs*3) in the ATM gene. It is expected to result in an absent or disrupted protein product. Loss-of-function variants in ATM are known to be pathogenic (PMID: 23807571, 25614872).

Literature cited by the submitters: PubMed 23807571; PubMed 25614872.